The following is an entry in ClinVar:

ClinVar aggregate classification (germline): Uncertain significance (1 of 4 stars; one submission).

Conditions:
Familial hypercholesterolemia. Also called: Familial hypercholesterolaemia. Identifiers: MedGen C0020445, MONDO:0005439.

Submission:

Color Diagnostics, LLC DBA Color Health
Classification: Uncertain significance for Familial hypercholesterolemia. Last evaluated: 2023-04-19. Review status: criteria provided, single submitter. Criteria: ACMG Guidelines, 2015. Collection method: clinical testing. Allele origin: germline.
Comment: This missense variant replaces valine with leucine at codon 661 of the PCSK9 protein. Computational prediction suggests that this variant may not impact protein structure and function (internally defined REVEL score threshold <= 0.5, PMID: 27666373). To our knowledge, functional studies have not been reported for this variant. This variant has not been reported in individuals affected with PCSK9-related disorders in the literature. This variant has not been identified in the general population by the Genome Aggregation Database (gnomAD). The available evidence is insufficient to determine the role of this variant in disease conclusively. Therefore, this variant is classified as a Variant of Uncertain Significance.

NM_174936.4(PCSK9):c.1981G>C (p.Val661Leu)

Gene: PCSK9 (proprotein convertase subtilisin/kexin type 9; plus strand). Cytogenetic location: 1p32.3.
Variant type: single nucleotide variant.
Coding change: c.1981G>C on transcript NM_174936.4 (MANE Select); coding-DNA position 1981, G replaced by C.
Protein change: p.Val661Leu; replaces valine 661 with leucine.
Molecular consequence: missense variant. On other transcripts: non-coding transcript variant (8).
Genome position (GRCh38, 1-based): chr1:55,063,486, G>C. VCF-style: chr1-55063486-G-C. GRCh37 (hg19) VCF-style: chr1-55529159-G-C.
Other names: c.2104G>C, p.Val702Leu (NM_001407240.1); c.2023G>C, p.Val675Leu (NM_001407241.1); c.1984G>C, p.Val662Leu (NM_001407242.1); c.1924G>C, p.Val642Leu (NM_001407243.1); c.1807G>C, p.Val603Leu (NM_001407244.1); c.1789G>C, p.Val597Leu (NM_001407245.1); c.1606G>C, p.Val536Leu (NM_001407246.1); c.1480G>C, p.Val494Leu (NM_001407247.1); short protein forms V494L, V536L, V642L, V675L, V702L, V597L, V603L, V661L.
Identifiers: ClinVar variation 2774070 (VCV002774070.2), dbSNP rs375541628, ClinGen allele CA340480769.